The following is an entry in ClinVar:

NM_000209.4(PDX1):c.533A>C (p.Glu178Ala)

Gene: PDX1 (pancreatic and duodenal homeobox 1; plus strand). Cytogenetic location: 13q12.2.
Variant type: single nucleotide variant.
Coding change: c.533A>C on transcript NM_000209.4 (MANE Select); coding-DNA position 533, A replaced by C.
Protein change: p.Glu178Ala; replaces glutamic acid 178 with alanine.
Molecular consequence: missense variant.
Genome position (GRCh38, 1-based): chr13:27,924,382, A>C. VCF-style: chr13-27924382-A-C. GRCh37 (hg19) VCF-style: chr13-28498519-A-C.
Other names: short protein forms E178A.
Identifiers: ClinVar variation 4526486 (VCV004526486.1).

ClinVar aggregate classification (germline): Likely pathogenic (1 of 4 stars; one submission).

Conditions:
Maturity-onset diabetes of the young type 4 (MODY4). Also called: MODY, type IV; Maturity-onset diabetes of the young, type IV. Identifiers: Orphanet 552, MedGen C1833382, MONDO:0011667, OMIM 606392.

Submission:

MVZ Medizinische Genetik Mainz
Classification: Likely pathogenic for Maturity-onset diabetes of the young type 4. Last evaluated: 2025-10-14. Review status: criteria provided, single submitter. Criteria: UK Practice Guidelines For Variant Classification V4 01 2020. Collection method: clinical testing. Allele origin: germline. Inheritance: Autosomal dominant inheritance. Affected: yes. Observed: 1 variant allele.
Comment: ACMG Criteria: PP3_STR,PM4,PM2_SUP